The following is an entry in ClinVar:

ClinVar aggregate classification (germline): Pathogenic/Likely pathogenic. Review status: criteria provided, multiple submitters, no conflicts (2 of 4 stars). 7 submissions from 7 submitters: Pathogenic (2); Likely pathogenic (4). 1 of the submissions does not count toward it. Last evaluated 2026-09-25.

Conditions:
TYR-related disorder. Also called: TYR-related condition.
Oculocutaneous albinism type 1A (OCA1A). Also called: Albinism, oculocutaneous, type IA. Identifiers: Orphanet 352731, Orphanet 79431, MedGen C4551504, MONDO:0008745, OMIM 203100. Disease mechanism: loss of function.
Oculocutaneous albinism type 1B (OCA1B). Also called: YELLOW ALBINISM; ALBINISM, OCULOCUTANEOUS, TYPE IB; ALBINISM, YELLOW MUTANT TYPE. Identifiers: Orphanet 352731, Orphanet 352737, Orphanet 79434, MedGen C1847024, MONDO:0011749, OMIM 606952.
SKIN/HAIR/EYE PIGMENTATION 3, LIGHT/DARK SKIN (SHEP3). Also called: SKIN/HAIR/EYE PIGMENTATION 3, BLUE/GREEN EYE COLOR; SKIN/HAIR/EYE PIGMENTATION 3, FRECKLING; SKIN/HAIR/EYE PIGMENTATION, VARIATION IN, 3; EYE COLOR 1; EYE COLOR, GREEN/BLUE. Identifiers: MedGen C2677190, OMIM 601800.

Allele frequency attached by ClinVar (database versions not stated): TOPMed 0.00001.
gnomAD v4.1: 1 of 1,614,110 alleles (0.000062%); highest among the groups gnomAD compares: East Asian, 0.0022%; no homozygotes.

Submissions (7):

GeneDx
Classification: Likely pathogenic. Last evaluated: 2026-09-25. Review status: criteria provided, single submitter. Criteria: GeneDx Variant Classification Process June 2021. Collection method: clinical testing. Allele origin: germline.
Comment: Not observed at significant frequency in large population cohorts (gnomAD); In silico analysis supports that this missense variant has a deleterious effect on protein structure/function; This variant is associated with the following publications: (PMID: 35027574, 29345414)

Labcorp Genetics (formerly Invitae), Labcorp
Classification: Pathogenic. Last evaluated: 2025-05-19. Review status: criteria provided, single submitter. Criteria: Invitae Variant Classification Sherloc (09022015). Collection method: clinical testing. Allele origin: germline.
Comment: This sequence change replaces methionine, which is neutral and non-polar, with arginine, which is basic and polar, at codon 252 of the TYR protein (p.Met252Arg). This variant is not present in population databases (gnomAD no frequency). This missense change has been observed in individual(s) with clinical features of oculocutaneous albinism (PMID: 29345414; internal data). In at least one individual the data is consistent with being in trans (on the opposite chromosome) from a pathogenic variant. ClinVar contains an entry for this variant (Variation ID: 1301877). Invitae Evidence Modeling of protein sequence and biophysical properties (such as structural, functional, and spatial information, amino acid conservation, physicochemical variation, residue mobility, and thermodynamic stability) indicates that this missense variant is expected to disrupt TYR protein function with a positive predictive value of 95%. For these reasons, this variant has been classified as Pathogenic.

PreventionGenetics, part of Exact Sciences
Classification: Likely pathogenic for TYR-related condition. Last evaluated: 2025-02-07. Review status: criteria provided, single submitter. Criteria: ACMG Guidelines, 2015. Collection method: clinical testing. Allele origin: germline.
Comment: The TYR c.755T>G variant is predicted to result in the amino acid substitution p.Met252Arg. This variant has been reported in individuals with oculocutaneous albinism (Table S1, Lasseaux et al. 2018. PubMed ID: 29345414; Lin et al. 2022. PubMed ID: 35027574). This variant is absent in a large population database (gnomAD), indicating this variant is rare. This variant is interpreted as likely pathogenic.

CeGaT Center for Human Genetics Tuebingen
Classification: Pathogenic. Last evaluated: 2024-09-01. Review status: criteria provided, single submitter. Criteria: CeGaT Center For Human Genetics Tuebingen Variant Classification Criteria Version 2. Collection method: clinical testing. Allele origin: germline. Affected: yes. Observed: 3 variant alleles.
Comment: TYR: PM3:Very Strong, PM2, PM5

Fulgent Genetics
Classification: Likely pathogenic for Oculocutaneous albinism type 1A; SKIN/HAIR/EYE PIGMENTATION 3, LIGHT/DARK SKIN; Oculocutaneous albinism type 1B. Last evaluated: 2024-03-23. Review status: criteria provided, single submitter. Criteria: ACMG Guidelines, 2015. Collection method: clinical testing. Allele origin: germline.

Blueprint Genetics
Classification: Likely pathogenic for TYR-related disorders. Last evaluated: 2022-09-08. Review status: criteria provided, single submitter. Criteria: ACMG Guidelines, 2015. Collection method: clinical testing. Allele origin: germline. Affected: yes. Observed: 2 variant alleles.

Rare Disease Group, University of Exeter
Classification: Likely pathogenic for Oculocutaneous albinism type 1A. Review status: no assertion criteria provided. Collection method: research. Allele origin: inherited. Affected: yes. Not counted in ClinVar's aggregate classification.

Literature cited by the submitters: PubMed 29345414 (cited by Labcorp Genetics (formerly Invitae), Labcorp).

NM_000372.5(TYR):c.755T>G (p.Met252Arg)

Gene: TYR (tyrosinase; plus strand). Cytogenetic location: 11q14.3.
Variant type: single nucleotide variant.
Coding change: c.755T>G on transcript NM_000372.5 (MANE Select); coding-DNA position 755, T replaced by G.
Protein change: p.Met252Arg; replaces methionine 252 with arginine.
Molecular consequence: missense variant.
Genome position (GRCh38, 1-based): chr11:89,178,708, T>G. VCF-style: chr11-89178708-T-G. GRCh37 (hg19) VCF-style: chr11-88911876-T-G.
Other names: short protein forms M252R.
Identifiers: ClinVar variation 1301877 (VCV001301877.42), dbSNP rs1943262190, ClinGen allele CA382035342.